The following is an entry in ClinVar:

NM_016203.4(PRKAG2):c.160G>A (p.Gly54Ser)

Gene: PRKAG2 (protein kinase AMP-activated non-catalytic subunit gamma 2; minus strand). Cytogenetic location: 7q36.1.
Variant type: single nucleotide variant.
Coding change: c.160G>A on transcript NM_016203.4 (MANE Select); coding-DNA position 160, G replaced by A.
Protein change: p.Gly54Ser; replaces glycine 54 with serine.
Molecular consequence: missense variant. On other transcripts: intron variant (1).
Genome position (GRCh38, 1-based): chr7:151,786,496, C>T on the plus strand (G>A on the coding strand, the complement: PRKAG2 is on the minus strand). VCF-style: chr7-151786496-C-T. GRCh37 (hg19) VCF-style: chr7-151483582-C-T.
Other names: c.28G>A, p.Gly10Ser (NM_001040633.2, NM_001407024.1, NM_001407026.1 and 2 more transcripts); c.160G>A, p.Gly54Ser (NM_001407021.1, NM_001407022.1, NM_001407023.1 and 2 more transcripts); c.148+27920G>A (NM_001407032.1); short protein forms G10S, G54S.
Identifiers: ClinVar variation 4748295 (VCV004748295.1).

ClinVar aggregate classification (germline): Uncertain significance (1 of 4 stars; one submission).

Conditions:
Lethal congenital glycogen storage disease of heart. Also called: PHOSPHORYLASE KINASE DEFICIENCY OF HEART; GLYCOGEN STORAGE DISEASE OF HEART. Identifiers: Orphanet 439854, MedGen C1849813, MONDO:0009867, OMIM 261740.

Submission:

Labcorp Genetics (formerly Invitae), Labcorp
Classification: Uncertain significance for Lethal congenital glycogen storage disease of heart. Last evaluated: 2025-11-12. Review status: criteria provided, single submitter. Criteria: Invitae Variant Classification Sherloc (09022015). Collection method: clinical testing. Allele origin: germline.
Comment: This sequence change replaces glycine, which is neutral and non-polar, with serine, which is neutral and polar, at codon 54 of the PRKAG2 protein (p.Gly54Ser). This variant is not present in population databases (gnomAD no frequency). This variant has not been reported in the literature in individuals affected with PRKAG2-related conditions. Invitae Evidence Modeling of protein sequence and biophysical properties (such as structural, functional, and spatial information, amino acid conservation, physicochemical variation, residue mobility, and thermodynamic stability) indicates that this missense variant is not expected to disrupt PRKAG2 protein function with a negative predictive value of 95%. In summary, the available evidence is currently insufficient to determine the role of this variant in disease. Therefore, it has been classified as a Variant of Uncertain Significance.